The following continues an entry in ClinVar:

NM_000059.4(BRCA2):c.517-2A>G

Gene: BRCA2. ClinVar aggregate classification (germline): Pathogenic. Pathogenic (1).

Submissions 8 to 20 of 25:

GeneDx
Classification: Pathogenic. Last evaluated: 2024-05-29. Review status: criteria provided, single submitter. Criteria: GeneDx Variant Classification Process June 2021. Collection method: clinical testing. Allele origin: germline. Affected: yes. Not counted in ClinVar's aggregate classification.
Comment: Canonical splice site variant demonstrated to result in multiple isoforms, including out-of-frame skipping of exon 7 as well as in-frame skipping of exons 4-7, that could result in a hypomorphic allele associated with lower cancer risks than those of typical BRCA2 pathogenic variants (PMID: 22505045, 30883759, 32398771); Observed with a BRCA2 truncating variant in a patient with features consistent with Fanconi anemia, as well as homozygous in a patient with atypical Fanconi anemia presentation (PMID: 28102861, 30792206, Mike Leach FRCP et al. (2015) Practical Flow Cytometry in Haematology Diagnosis: 100 Worked Examples.); Observed in individuals with breast, ovarian, or prostate cancer (PMID: 14647210, 24728189, 26681682, 27208206, 27433846, 31263054, 32427313); Published functional studies demonstrate intermediate homology-directed repair activity, intermediate null cell complementation, and reduced protein level (PMID: 32398771); Not observed at significant frequency in large population cohorts (gnomAD); Multifactorial likelihood analysis suggests this variant is pathogenic (PMID: 31131967); Also known as 745-2A>G; This variant is associated with the following publications: (PMID: 14647210, 36551643, 36721989, 24728189, 25525159, 27433846, 27836010, 26681682, 21523855, 27208206, 28152038, 30787465, 28102861, 33654310, 29852322, 29339979, 22505045, 34413315, 32427313, 29176636, 29446198, 31263054, 31853058, 30792206, 31131967, 33471991, 30652428, 30883759, 31843900, 32398771)

Color Diagnostics, LLC DBA Color Health
Classification: Pathogenic for Hereditary cancer-predisposing syndrome. Last evaluated: 2024-04-08. Review status: criteria provided, single submitter. Criteria: ACMG Guidelines, 2015. Collection method: clinical testing. Allele origin: germline. Not counted in ClinVar's aggregate classification.
Comment: This variant causes an A to G nucleotide substitution at the -2 position of intron 6 of the BRCA2 gene. This variant is also known as IVS6-2A>G and 745-2A>G in the literature. RNA studies have detected the out-of-frame skipping of exon 7 in carrier-derived RNA and in minigene splicing assays (PMID: 22505045, 30883759, 31843900). This variant has been reported in at least six individuals affected with breast and/or ovarian cancer (PMID: 14647210, 24240112, 24728189, 26681682, 33471991; Leiden Open Variation Database DB-ID BRCA2_003448) and in additional suspected hereditary breast and ovarian cancer families (PMID: 29176636, 29339979, 29446198). This variant also has been detected in an individual affected with prostate cancer (PMID: 27433846). This variant has been reported in a heterozygous state with a BRCA2 truncating variant in an individual affected with Fanconi Anemia (PMID: 30792206). The variant has been reported with segregation, tumor pathology and family history likelihood ratios for pathogenicity of 3.4966, 3.8211 and 3.1152, respectively (PMID: 31131967). This variant has not been identified in the general population by the Genome Aggregation Database (gnomAD). Loss of BRCA2 function is a known mechanism of disease. Based on the available evidence, this variant is classified as Pathogenic.

Quest Diagnostics Nichols Institute San Juan Capistrano
Classification: Pathogenic. Last evaluated: 2023-06-22. Review status: criteria provided, single submitter. Criteria: Quest Diagnostics criteria. Collection method: clinical testing. Allele origin: unknown. Not counted in ClinVar's aggregate classification.
Comment: The BRCA2 c.517-2A>G variant disrupts a canonical splice-acceptor site and interferes with normal BRCA2 mRNA splicing. This variant has been reported in the published literature in individuals with breast cancer (PMID: 32427313 (2020), 30652428 (2019), 27836010 (2016), 26681682 (2016)) and ovarian cancer (PMID: 14647210 (2003)). This variant was also reported to result in aberrant splicing and skipping of BRCA2 exon 7 (PMID: 30883759 (2019), 22505045 (2012)). This variant has not been reported in large, multi-ethnic general populations (Genome Aggregation Database). Based on the available information, this variant is classified as pathogenic.

Baylor Genetics
Classification: Pathogenic for Familial cancer of breast. Last evaluated: 2023-02-01. Review status: criteria provided, single submitter. Criteria: ACMG Guidelines, 2015. Collection method: clinical testing. Allele origin: unknown. Not counted in ClinVar's aggregate classification.

Revvity Omics, Revvity
Classification: Pathogenic. Last evaluated: 2022-09-24. Review status: criteria provided, single submitter. Criteria: ACMG Guidelines, 2015. Collection method: clinical testing. Allele origin: germline. Not counted in ClinVar's aggregate classification.

Illumina Laboratory Services, Illumina
Classification: Pathogenic for Breast-ovarian cancer, familial, susceptibility to, 2. Last evaluated: 2020-10-22. Review status: criteria provided, single submitter. Criteria: ICSLVariantClassificationCriteria RUGD 01 April 2020. Collection method: clinical testing. Allele origin: unknown. Not counted in ClinVar's aggregate classification.
Comment: The BRCA2 c.517-2A>G variant results in a substitution at the consensus splice acceptor site which is has been shown to result in a skipping of exon 7, resulting in a frameshift and premature stop codon (Houdayer et al. 2012; Casadei et al. 2019). This variant has been identified in individuals with hereditary breast and ovarian cancer and in at least one male with metastatic prostate cancer (Jakubowska et al. 2003; Song et al. 2014; Pritchard et al. 2016; Heramb et al. 2018; Casadei et al. 2019) and also in individuals with a phenotype consistent with Fanconi anemia (Maramatsu et al. 2017; Mori et al. 2019). This variant is not observed in version 2.1.1 of the Genome Aggregation Database. Based on the collective evidence the c.517-2A>G variant is classified as pathogenic for hereditary breast and ovarian cancer.

Women's Health and Genetics/Laboratory Corporation of America, LabCorp
Classification: Pathogenic for Hereditary breast and ovarian cancer syndrome. Last evaluated: 2019-11-13. Review status: criteria provided, single submitter. Criteria: LabCorp Variant Classification Summary - May 2015. Collection method: clinical testing. Allele origin: germline. Not counted in ClinVar's aggregate classification.
Comment: Variant summary: BRCA2 c.517-2A>G is located in a canonical splice-site and is predicted to affect mRNA splicing resulting in a significantly altered protein due to either exon skipping, shortening, or inclusion of intronic material. Several computational tools predict a significant impact on normal splicing: Five predict the variant abolishes a 3 acceptor site. Experimental evidence are in support of these predictions and demonstrated exon 7 skipping following in vitro analysis (Houdayer_2012). The variant was absent in 251306 control chromosomes (gnomAD). c.517-2A>G has been reported in the literature in multiple individuals affected with Hereditary Breast and Ovarian Cancer and also prostate cancer (e.g. Jakubowska_2003, Pritchard_2016, Rebbeck_2018, Song_2014, Walsh_2011). These data indicate that the variant is very likely to be associated with disease. Nine ClinVar submitters (evaluation after 2014) cite the variant as pathogenic/likely pathogenic. Based on the evidence outlined above, the variant was classified as pathogenic.

Department of Medical Genetics, Oslo University Hospital
Classification: Pathogenic for Breast-ovarian cancer, familial, susceptibility to, 2. Last evaluated: 2017-01-20. Review status: criteria provided, single submitter. Criteria: ACMG Guidelines, 2015. Collection method: clinical testing. Allele origin: germline. Affected: yes. Observed: 2 variant alleles. Not counted in ClinVar's aggregate classification.

Laboratory for Molecular Medicine, Mass General Brigham Personalized Medicine
Classification: Pathogenic for Hereditary breast ovarian cancer syndrome. Last evaluated: 2016-12-23. Review status: criteria provided, single submitter. Criteria: LMM Criteria. Collection method: clinical testing. Allele origin: germline. Inheritance: Autosomal dominant inheritance. Observed: 1 variant allele. Not counted in ClinVar's aggregate classification.
Comment: The c.517-2A>G variant in BRCA2 has been reported in at least 6 individuals with BRCA2-associated cancers (Jakubowska 2003, Breast Cancer Information Core (BIC) database) and was absent from large population studies. In vitro functional stu dies provide some evidence that the c.517-2A>G variant may impact protein functi on (Houdayer 2012). This variant occurs in the invariant region (+/- 1,2) of the splice consensus sequence and is predicted to cause altered splicing leading to an abnormal or absent protein. Heterozygous loss of function of the BRCA2 gene is an established disease mechanism in hereditary breast and ovarian cancer (HBO C). In summary, this variant meets criteria to be classified as pathogenic for H BOC in an autosomal dominant manner.

Consortium of Investigators of Modifiers of BRCA1/2 (CIMBA), c/o University of Cambridge
Classification: Pathogenic for Breast-ovarian cancer, familial, susceptibility to, 2. Last evaluated: 2015-10-02. Review status: criteria provided, single submitter. Criteria: CIMBA Mutation Classification guidelines May 2016. Collection method: clinical testing. Allele origin: germline. Not counted in ClinVar's aggregate classification.

Department of Pathology and Laboratory Medicine, Sinai Health System
Classification: Pathogenic for Hereditary breast ovarian cancer syndrome. Review status: criteria provided, single submitter. Criteria: ACMG Guidelines, 2015. Collection method: clinical testing. Allele origin: germline. Affected: yes. Study: The Canadian Open Genetics Repository (COGR). Not counted in ClinVar's aggregate classification.

PreventionGenetics, part of Exact Sciences
Classification: Pathogenic for BRCA2-related condition. Last evaluated: 2024-08-06. Review status: no assertion criteria provided. Collection method: clinical testing. Allele origin: germline. Not counted in ClinVar's aggregate classification.
Comment: The BRCA2 c.517-2A>G variant is predicted to disrupt the AG splice acceptor site and interfere with normal splicing. This variant was reported in individuals with breast and/or ovarian cancer (Jakubowska et al 2003. PubMed ID: 14647210; Pennington KP et al 2013. PubMed ID: 24240112; Song H et al 2014. PubMed ID: 24728189; Eccles DM et al 2015. PubMed ID: 26681682; Breast Cancer Association Consortium et al 2021. PubMed ID: 33471991). This variant was also reported in an individual with prostate cancer (Pritchard CC et al 2016. PubMed ID: 27433846). RNA studies of this variant have demonstrated disrupted splicing (Houdayer C et al 2012. PubMed ID: 22505045). This variant has not been reported in a large population database, indicating this variant is rare. This variant is interpreted as pathogenic in ClinVar. Variants that disrupt the consensus splice acceptor site in BRCA2 are expected to be pathogenic. This variant is interpreted as pathogenic.

BRCAlab, Lund University
Classification: Pathogenic for Breast-ovarian cancer, familial, susceptibility to, 2. Last evaluated: 2022-08-26. Review status: no assertion criteria provided. Collection method: clinical testing. Allele origin: germline. Affected: yes. Not counted in ClinVar's aggregate classification.